The following is an entry in ClinVar:

NM_002968.3(SALL1):c.420del (p.Ser141fs)

Gene: SALL1 (spalt like transcription factor 1; minus strand). Cytogenetic location: 16q12.1.
Variant type: Deletion.
Coding change: c.420del on transcript NM_002968.3 (MANE Select); coding-DNA position 420, one base deleted (C; older notation c.420delC).
Protein change: p.Ser141fs; shifts the reading frame from serine 141.
Molecular consequence: frameshift variant.
Genome position (GRCh38, 1-based): chr16:51,141,802, G deleted on the plus strand (C on the coding strand, the reverse complement: SALL1 is on the minus strand); the first of 2 consecutive G bases (chr16:51,141,802-51,141,803); deleting either gives the same sequence. VCF-style (leftmost placement, unchanged base first): chr16-51141801-TG-T. GRCh37 (hg19) VCF-style: chr16-51175712-TG-T.
Other names: c.129del, p.Ser44fs (NM_001127892.2); c.420delC (NM_002968.2); short protein forms S44fs, S141fs.
Identifiers: ClinVar variation 934902 (VCV000934902.11), dbSNP rs1962442258, ClinGen allele CA1139664677.
Genomic context (GRCh38, chr16:51,141,801, plus strand): 5'-CGCCGCTGCTGCTGCTGCTGCTGCTGCTGCTGCTTGGGGCGGTACTGCTGTGGCTGCCGC[TG>T]GAAGTGCCGCTGCCGCTTTTGTTAGCAACCGGGGCCTCCACCTCCATGGACTCTTCCCTG-3'

ClinVar aggregate classification (germline): Pathogenic. Review status: criteria provided, multiple submitters, no conflicts (2 of 4 stars). 2 submissions from 2 submitters: Pathogenic (2). Last evaluated 2025-09-24.

Conditions:
Inborn genetic diseases. Identifiers: MedGen C0950123, MeSH D030342.
Townes syndrome (TBS). Also called: Townes-Brocks syndrome. Identifiers: Orphanet 857, MedGen C0265246, MeSH C536974, MONDO:0007142.

Submissions (2):

Ambry Genetics
Classification: Pathogenic for Inborn genetic diseases. Last evaluated: 2025-09-24. Review status: criteria provided, single submitter. Criteria: Ambry Variant Classification Scheme 2023. Collection method: clinical testing. Allele origin: germline.
Comment: The c.420delC (p.S141Afs*42) alteration, located in exon 2 (coding exon 2) of the SALL1 gene, consists of a deletion of one nucleotide at position 420, causing a translational frameshift with a predicted alternate stop codon after 42 amino acids. This alteration is expected to result in loss of function by premature protein truncation or nonsense-mediated mRNA decay. This variant was not reported in population-based cohorts in the Genome Aggregation Database (gnomAD). This variant has been reported in an individual with features consistent with SALL1-related Townes-Brocks syndrome (Kohlhase, 1999). Based on the available evidence, this alteration is classified as pathogenic.

Labcorp Genetics (formerly Invitae), Labcorp
Classification: Pathogenic for Townes syndrome. Last evaluated: 2022-10-27. Review status: criteria provided, single submitter. Criteria: Invitae Variant Classification Sherloc (09022015). Collection method: clinical testing. Allele origin: germline.
Comment: This sequence change creates a premature translational stop signal (p.Ser141Alafs*42) in the SALL1 gene. It is expected to result in an absent or disrupted protein product. Loss-of-function variants in SALL1 are known to be pathogenic (PMID: 9973281, 12915476, 16088922, 23069192). This variant is not present in population databases (gnomAD no frequency). This premature translational stop signal has been observed in individual(s) with clinical features of Townes-Borck syndrome (PMID: 9973281; Invitae). In at least one individual the variant was observed to be de novo. ClinVar contains an entry for this variant (Variation ID: 934902). For these reasons, this variant has been classified as Pathogenic.

Literature cited by the submitters: PubMed 9973281 (cited by Ambry Genetics and Labcorp Genetics (formerly Invitae), Labcorp); PubMed 12915476 (cited by Labcorp Genetics (formerly Invitae), Labcorp); PubMed 16088922 (cited by Labcorp Genetics (formerly Invitae), Labcorp); PubMed 23069192 (cited by Labcorp Genetics (formerly Invitae), Labcorp).